The following is an entry in ClinVar:

NM_022455.5(NSD1):c.670T>C (p.Ser224Pro)

Gene: NSD1 (nuclear receptor binding SET domain protein 1; plus strand). Cytogenetic location: 5q35.3.
Variant type: single nucleotide variant.
Coding change: c.670T>C on transcript NM_022455.5 (MANE Select); coding-DNA position 670, T replaced by C.
Protein change: p.Ser224Pro; replaces serine 224 with proline.
Molecular consequence: missense variant. On other transcripts: intron variant (8).
Genome position (GRCh38, 1-based): chr5:177,135,773, T>C. VCF-style: chr5-177135773-T-C. GRCh37 (hg19) VCF-style: chr5-176562774-T-C.
Other names: c.-36-168T>C (NM_001409308.1, NM_001409307.1, NM_172349.5 and 4 more transcripts); c.670T>C, p.Ser224Pro (NM_001409301.1, NM_001409302.1, NM_001409303.1); c.418-168T>C (NM_001409304.1); short protein forms S224P.
Identifiers: ClinVar variation 1479687 (VCV001479687.12), dbSNP rs770174512, ClinGen allele CA3576929.

ClinVar aggregate classification (germline): Uncertain significance. Review status: criteria provided, multiple submitters, no conflicts (2 of 4 stars). 3 submissions from 3 submitters: Uncertain significance (3). Last evaluated 2022-07-15.

Conditions:
Sotos syndrome (SOTOS). Also called: SOTOS SYNDROME 1; CEREBRAL GIGANTISM; Sotos' syndrome; CHROMOSOME 5q35 DELETION SYNDROME; Distinctive facial appearance, overgrowth in childhood, and learning disabilities or delayed development. Identifiers: Orphanet 821, MedGen C0175695, MONDO:0019349, OMIM 117550.

Allele frequency attached by ClinVar (database versions not stated): gnomAD exomes 0.00001; ExAC 0.00002.
gnomAD v4.1: 8 of 1,612,980 alleles (0.0005%); highest among the groups gnomAD compares: South Asian, 0.0022%; no homozygotes.

Submissions (3):

Revvity Omics, Revvity
Classification: Uncertain significance for Sotos syndrome. Last evaluated: 2022-07-15. Review status: criteria provided, single submitter. Criteria: ACMG Guidelines, 2015. Collection method: clinical testing. Allele origin: germline.

Fulgent Genetics
Classification: Uncertain significance for Sotos syndrome. Last evaluated: 2022-02-16. Review status: criteria provided, single submitter. Criteria: ACMG Guidelines, 2015. Collection method: clinical testing. Allele origin: unknown.

Labcorp Genetics (formerly Invitae), Labcorp
Classification: Uncertain significance. Last evaluated: 2020-12-13. Review status: criteria provided, single submitter. Criteria: Invitae Variant Classification Sherloc (09022015). Collection method: clinical testing. Allele origin: germline.
Comment: Advanced modeling of protein sequence and biophysical properties (such as structural, functional, and spatial information, amino acid conservation, physicochemical variation, residue mobility, and thermodynamic stability) performed at Invitae indicates that this missense variant is not expected to disrupt NSD1 protein function. This sequence change replaces serine with proline at codon 224 of the NSD1 protein (p.Ser224Pro). The serine residue is weakly conserved and there is a moderate physicochemical difference between serine and proline. This variant is present in population databases (rs770174512, ExAC 0.01%). This variant has not been reported in the literature in individuals with NSD1-related conditions. In summary, the available evidence is currently insufficient to determine the role of this variant in disease. Therefore, it has been classified as a Variant of Uncertain Significance.